The following is an entry in ClinVar:

NM_000789.4(ACE):c.2739+4C>T

Gene: ACE (angiotensin I converting enzyme; plus strand). Cytogenetic location: 17q23.3.
Variant type: single nucleotide variant.
Coding change: c.2739+4C>T on transcript NM_000789.4 (MANE Select); 4 bases into the intron after coding-DNA position 2739, C replaced by T.
Molecular consequence: intron variant.
Genome position (GRCh38, 1-based): chr17:63,491,055, C>T. VCF-style: chr17-63491055-C-T. GRCh37 (hg19) VCF-style: chr17-61568416-C-T.
Other names: c.1887+4C>T (NM_001382701.1); c.2172+4C>T (NM_001382700.1); c.1017+4C>T (NM_152830.3, NM_001178057.2); c.477+4C>T (NM_001382702.1).
Identifiers: ClinVar variation 2193394 (VCV002193394.3), dbSNP rs748710280, ClinGen allele CA8700219.

ClinVar aggregate classification (germline): Conflicting classifications of pathogenicity. Review status: criteria provided, conflicting classifications (1 of 4 stars). 2 submissions from 2 submitters: Uncertain significance (1); Likely benign (1). Last evaluated 2025-03-03.

Allele frequency attached by ClinVar (database versions not stated): gnomAD 0.00001; ExAC 0.00002; TOPMed 0.00002.
gnomAD v4.1: 71 of 1,613,974 alleles (0.0044%); highest among the groups gnomAD compares: Non-Finnish European, 0.0055%; no homozygotes.

Submissions (2):

Labcorp Genetics (formerly Invitae), Labcorp
Classification: Uncertain significance. Last evaluated: 2025-03-03. Review status: criteria provided, single submitter. Criteria: Invitae Variant Classification Sherloc (09022015). Collection method: clinical testing. Allele origin: germline.
Comment: This sequence change falls in intron 18 of the ACE gene. It does not directly change the encoded amino acid sequence of the ACE protein. It affects a nucleotide within the consensus splice site. This variant is present in population databases (rs748710280, gnomAD 0.006%). This variant has not been reported in the literature in individuals affected with ACE-related conditions. ClinVar contains an entry for this variant (Variation ID: 2193394). Variants that disrupt the consensus splice site are a relatively common cause of aberrant splicing (PMID: 17576681, 9536098). Algorithms developed to predict the effect of sequence changes on RNA splicing suggest that this variant is not likely to affect RNA splicing. In summary, the available evidence is currently insufficient to determine the role of this variant in disease. Therefore, it has been classified as a Variant of Uncertain Significance.

Blueprint Genetics
Classification: Likely benign. Last evaluated: 2024-01-18. Review status: criteria provided, single submitter. Criteria: ACMG Guidelines, 2015. Collection method: clinical testing. Allele origin: germline.

Literature cited by the submitters: PubMed 17576681 (cited by Labcorp Genetics (formerly Invitae), Labcorp); PubMed 9536098 (cited by Labcorp Genetics (formerly Invitae), Labcorp).